The following is an entry in ClinVar:

ClinVar aggregate classification (germline): Uncertain significance (1 of 4 stars; one submission).

Conditions:
Inborn genetic diseases. Identifiers: MedGen C0950123, MeSH D030342.

Submission:

Ambry Genetics
Classification: Uncertain significance for Inborn genetic diseases. Last evaluated: 2025-06-27. Review status: criteria provided, single submitter. Criteria: Ambry Variant Classification Scheme 2023. Collection method: clinical testing. Allele origin: germline.
Comment: The c.477T>G (p.D159E) alteration is located in exon 4 (coding exon 4) of the ATL1 gene. This alteration results from a T to G substitution at nucleotide position 477, causing the aspartic acid (D) at amino acid position 159 to be replaced by a glutamic acid (E). This variant was not reported in population-based cohorts in the Genome Aggregation Database (gnomAD). This variant was reported in individual(s) with features consistent with ATL1-related spastic paraplegia (Narendiran, 2022) This amino acid position is highly conserved in available vertebrate species. This missense alteration is located in a region that has a low rate of benign missense variation (Lek, 2016; Firth, 2009). The in silico prediction for this alteration is inconclusive. Based on insufficient or conflicting evidence, the clinical significance of this alteration remains unclear.

Literature cited by the submitters: PubMed 35499206.

NM_015915.5(ATL1):c.477T>G (p.Asp159Glu)

Gene: ATL1 (atlastin GTPase 1; plus strand). Cytogenetic location: 14q22.1.
Variant type: single nucleotide variant.
Coding change: c.477T>G on transcript NM_015915.5 (MANE Select); coding-DNA position 477, T replaced by G.
Protein change: p.Asp159Glu; replaces aspartic acid 159 with glutamic acid.
Molecular consequence: missense variant.
Genome position (GRCh38, 1-based): chr14:50,591,594, T>G. VCF-style: chr14-50591594-T-G. GRCh37 (hg19) VCF-style: chr14-51058312-T-G.
Other names: c.477T>G, p.Asp159Glu (NM_001127713.1, NM_181598.4); short protein forms D159E.
Identifiers: ClinVar variation 4164880 (VCV004164880.1).